The following is an entry in ClinVar:

ClinVar aggregate classification (germline): Uncertain significance (1 of 4 stars; one submission).

Submission:

GeneDx
Classification: Uncertain significance. Last evaluated: 2024-11-27. Review status: criteria provided, single submitter. Criteria: GeneDx Variant Classification Process June 2021. Collection method: clinical testing. Allele origin: germline. Affected: yes.
Comment: Not observed at significant frequency in large population cohorts (gnomAD); In silico analysis supports that this missense variant has a deleterious effect on protein structure/function; Has not been previously published as pathogenic or benign to our knowledge

NM_015294.6(TRIM37):c.1097A>T (p.Asp366Val)

Gene: TRIM37 (tripartite motif containing 37; minus strand). Cytogenetic location: 17q22.
Variant type: single nucleotide variant.
Coding change: c.1097A>T on transcript NM_015294.6 (MANE Select); coding-DNA position 1097, A replaced by T.
Protein change: p.Asp366Val; replaces aspartic acid 366 with valine.
Molecular consequence: missense variant. On other transcripts: non-coding transcript variant (2).
Genome position (GRCh38, 1-based): chr17:59,056,977, T>A on the plus strand (A>T on the coding strand, the complement: TRIM37 is on the minus strand). VCF-style: chr17-59056977-T-A. GRCh37 (hg19) VCF-style: chr17-57134338-T-A.
Other names: c.1097A>T, p.Asp366Val (NM_001005207.5, NM_001320988.3, NM_001320989.3 and 1 more transcripts); c.995A>T, p.Asp332Val (NM_001320987.3, NM_001353082.2); c.731A>T, p.Asp244Val (NM_001320990.3); c.362A>T, p.Asp121Val (NM_001353083.2); c.635A>T, p.Asp212Val (NM_001353085.2); c.1046A>T, p.Asp349Val (NM_001353086.2); short protein forms D121V, D212V, D244V, D332V, D349V, D366V.
Identifiers: ClinVar variation 3900858 (VCV003900858.1).